The following is an entry in ClinVar:

NM_025074.7(FRAS1):c.4306G>A (p.Glu1436Lys)

Gene: FRAS1 (Fraser extracellular matrix complex subunit 1; plus strand). Cytogenetic location: 4q21.21.
Variant type: single nucleotide variant.
Coding change: c.4306G>A on transcript NM_025074.7 (MANE Select); coding-DNA position 4306, G replaced by A.
Protein change: p.Glu1436Lys; replaces glutamic acid 1436 with lysine.
Molecular consequence: missense variant.
Genome position (GRCh38, 1-based): chr4:78,407,839, G>A. VCF-style: chr4-78407839-G-A. GRCh37 (hg19) VCF-style: chr4-79328993-G-A.
Other names: c.4306G>A, p.Glu1436Lys (NM_001166133.2); short protein forms E1436K.
Identifiers: ClinVar variation 2183447 (VCV002183447.1), dbSNP rs143503510, ClinGen allele CA2977150.
Genomic context (GRCh38, chr4:78,407,839, plus strand): 5'-GAAGGCATCGTATGGTACAGGCACTCAGGAGCCCCAGCCCAGAGCGACTCCTTCCGCTTC[G>A]AGGTACCCTCTGCTTCCTGACTTTTCTGAAGTCTGATGAATCCAATAATCCAATCGCTCT-3'
Protein context (NP_079350.5, residues 1426-1446): APAQSDSFRF[Glu1436Lys]VSSASNAQTR

ClinVar aggregate classification (germline): Uncertain significance (1 of 4 stars; one submission).

Allele frequency attached by ClinVar (database versions not stated): 1000 Genomes Project 30x 0.00031.
gnomAD v4.1: 21 of 1,592,556 alleles (0.0013%); highest among the groups gnomAD compares: Admixed American, 0.0017%; no homozygotes.

Submission:

Labcorp Genetics (formerly Invitae), Labcorp
Classification: Uncertain significance. Last evaluated: 2022-01-11. Review status: criteria provided, single submitter. Criteria: Invitae Variant Classification Sherloc (09022015). Collection method: clinical testing. Allele origin: germline.
Comment: This sequence change replaces glutamic acid, which is acidic and polar, with lysine, which is basic and polar, at codon 1436 of the FRAS1 protein (p.Glu1436Lys). This variant is present in population databases (rs143503510, gnomAD 0.007%). This variant has not been reported in the literature in individuals affected with FRAS1-related conditions. Algorithms developed to predict the effect of missense changes on protein structure and function are either unavailable or do not agree on the potential impact of this missense change (SIFT: "Deleterious"; PolyPhen-2: "Benign"; Align-GVGD: "Class C15"). In summary, the available evidence is currently insufficient to determine the role of this variant in disease. Therefore, it has been classified as a Variant of Uncertain Significance.